The following is an entry in ClinVar:

NM_130837.3(OPA1):c.1936-2A>G

Gene: OPA1 (OPA1 mitochondrial dynamin like GTPase; plus strand). Cytogenetic location: 3q29.
Variant type: single nucleotide variant.
Coding change: c.1936-2A>G on transcript NM_130837.3 (MANE Select); the canonical splice acceptor site of the intron before coding-DNA position 1936, A replaced by G.
Molecular consequence: splice acceptor variant.
Genome position (GRCh38, 1-based): chr3:193,648,793, A>G. VCF-style: chr3-193648793-A-G. GRCh37 (hg19) VCF-style: chr3-193366582-A-G.
Other names: c.1399-2A>G (NM_001354664.2); c.1402-2A>G (NM_001354663.2); c.1825-2A>G (NM_130834.3); c.1882-2A>G (NM_130836.3); c.1771-2A>G (NM_015560.3); c.1828-2A>G (NM_130835.3); c.1717-2A>G (NM_130832.3); c.1774-2A>G (NM_130833.3); and 1 more.
Identifiers: ClinVar variation 500500 (VCV000500500.11), dbSNP rs747454971, ClinGen allele CA2759545.

ClinVar aggregate classification (germline): Pathogenic/Likely pathogenic. Review status: criteria provided, multiple submitters, no conflicts (2 of 4 stars). 4 submissions from 4 submitters: Pathogenic (3); Likely pathogenic (1). Last evaluated 2025-08-27.

Allele frequency attached by ClinVar (database versions not stated): gnomAD 0.00001; gnomAD exomes below 0.00001; TOPMed below 0.00001; ExAC 0.00001.
gnomAD v4.1: 1 of 1,578,236 alleles (0.000063%); highest among the groups gnomAD compares: African/African-American, 0.0013%; no homozygotes.

Submissions (5):

Dasa
Classification: Pathogenic. Last evaluated: 2025-08-27. Review status: criteria provided, single submitter. Criteria: DASA Assertion Criteria. Collection method: clinical testing. Allele origin: germline.
Comment: NM_130837.3(OPA1):c.1936-2A>G introduces a premature termination codon predicted to result in loss of normal protein function. Loss-of-function is an established mechanism of disease for this gene. This variant has been reported in individuals with related phenotype. Segregation evidence has been reported in affected families. The variant is present at low frequency in population datasets. Based on the available data, this variant is classified as pathogenic.

GeneDx
Classification: Pathogenic. Last evaluated: 2025-01-24. Review status: criteria provided, single submitter. Criteria: GeneDx Variant Classification Process June 2021. Collection method: clinical testing. Allele origin: germline. Affected: yes.
Comment: Canonical splice site variant predicted to result in a null allele in a gene for which loss of function is a known mechanism of disease; Not observed at significant frequency in large population cohorts (gnomAD); This variant is associated with the following publications: (PMID: 25525159, 24369534, 31973973, 19319978, 34242285)

Labcorp Genetics (formerly Invitae), Labcorp
Classification: Likely pathogenic. Last evaluated: 2023-06-25. Review status: criteria provided, single submitter. Criteria: Invitae Variant Classification Sherloc (09022015). Collection method: clinical testing. Allele origin: germline.
Comment: This sequence change affects an acceptor splice site in intron 18 of the OPA1 gene. It is expected to disrupt RNA splicing. Variants that disrupt the donor or acceptor splice site typically lead to a loss of protein function (PMID: 16199547), and loss-of-function variants in OPA1 are known to be pathogenic (PMID: 11440988, 20157015, 20952381, 25012220). This variant is present in population databases (rs747454971, gnomAD 0.007%). Disruption of this splice site has been observed in individual(s) with OPA1-related conditions (PMID: 19319978, 24369534, 31973973, 34242285). ClinVar contains an entry for this variant (Variation ID: 500500). Algorithms developed to predict the effect of sequence changes on RNA splicing suggest that this variant may disrupt the consensus splice site. In summary, the currently available evidence indicates that the variant is pathogenic, but additional data are needed to prove that conclusively. Therefore, this variant has been classified as Likely Pathogenic.

Eurofins Ntd Llc (ga)
Classification: Pathogenic. Last evaluated: 2017-03-03. Review status: criteria provided, single submitter. Criteria: EGL Classification Definitions 2015. Collection method: clinical testing. Allele origin: germline. Observed: 1 variant allele, 1 heterozygote.

Dr. Peter K. Rogan Lab, Western University
No classification provided (evidence only). Condition: Uterine corpus endometrial carcinoma. Review status: no classification provided. Collection method: in vitro. Allele origin: not applicable. Functional consequence: retained intron. Not counted in ClinVar's aggregate classification.

Literature cited by the submitters: PubMed 16199547 (cited by Labcorp Genetics (formerly Invitae), Labcorp); PubMed 11440988 (cited by Labcorp Genetics (formerly Invitae), Labcorp); PubMed 20157015 (cited by Labcorp Genetics (formerly Invitae), Labcorp); PubMed 20952381 (cited by Labcorp Genetics (formerly Invitae), Labcorp); PubMed 25012220 (cited by Labcorp Genetics (formerly Invitae), Labcorp); PubMed 19319978 (cited by Labcorp Genetics (formerly Invitae), Labcorp); PubMed 24369534 (cited by Labcorp Genetics (formerly Invitae), Labcorp); PubMed 31973973 (cited by Labcorp Genetics (formerly Invitae), Labcorp); PubMed 34242285 (cited by Labcorp Genetics (formerly Invitae), Labcorp).